The following is an entry in ClinVar:

NM_001378454.1(ALMS1):c.3860C>A (p.Ser1287Ter)

Gene: ALMS1 (ALMS1 centrosome and basal body associated protein; plus strand). Cytogenetic location: 2p13.1.
Variant type: single nucleotide variant.
Coding change: c.3860C>A on transcript NM_001378454.1 (MANE Select); coding-DNA position 3860, C replaced by A.
Protein change: p.Ser1287Ter; replaces serine 1287 with a stop codon.
Molecular consequence: nonsense.
Genome position (GRCh38, 1-based): chr2:73,450,387, C>A. VCF-style: chr2-73450387-C-A. GRCh37 (hg19) VCF-style: chr2-73677514-C-A.
Other names: c.3863C>A, p.Ser1288Ter (NM_015120.4); short protein forms S1288*, S1287*.
Identifiers: ClinVar variation 3638039 (VCV003638039.2).

ClinVar aggregate classification (germline): Pathogenic (1 of 4 stars; one submission).

Conditions:
Alstrom syndrome (ALMS). Identifiers: Orphanet 64, MedGen C0268425, MONDO:0008763, OMIM 203800.

Submission:

Labcorp Genetics (formerly Invitae), Labcorp
Classification: Pathogenic for Alstrom syndrome. Last evaluated: 2024-08-12. Review status: criteria provided, single submitter. Criteria: Invitae Variant Classification Sherloc (09022015). Collection method: clinical testing. Allele origin: germline.
Comment: This sequence change creates a premature translational stop signal (p.Ser1288*) in the ALMS1 gene. It is expected to result in an absent or disrupted protein product. Loss-of-function variants in ALMS1 are known to be pathogenic (PMID: 17594715). This variant is not present in population databases (gnomAD no frequency). This variant has not been reported in the literature in individuals affected with ALMS1-related conditions. For these reasons, this variant has been classified as Pathogenic.

Literature cited by the submitters: PubMed 17594715.